The following is an entry in ClinVar:

NM_000059.4(BRCA2):c.7226C>T (p.Pro2409Leu)

Gene: BRCA2 (BRCA2 DNA repair associated; plus strand). Cytogenetic location: 13q13.1.
Variant type: single nucleotide variant.
Coding change: c.7226C>T on transcript NM_000059.4 (MANE Select); coding-DNA position 7226, C replaced by T.
Protein change: p.Pro2409Leu; replaces proline 2409 with leucine.
Molecular consequence: missense variant.
Genome position (GRCh38, 1-based): chr13:32,355,079, C>T. VCF-style: chr13-32355079-C-T. GRCh37 (hg19) VCF-style: chr13-32929216-C-T.
Other names: short protein forms P2409L.
Identifiers: ClinVar variation 579512 (VCV000579512.13), dbSNP rs759999459, ClinGen allele CA6941071.

ClinVar aggregate classification (germline): Uncertain significance. Review status: criteria provided, multiple submitters, no conflicts (2 of 4 stars). 4 submissions from 4 submitters: Uncertain significance (4). Last evaluated 2026-08-19.

Conditions:
Breast-ovarian cancer, familial, susceptibility to, 2 (BROVCA2). Also called: BRCA2 Hereditary Breast and Ovarian Cancer. Identifiers: Orphanet 145, MedGen C2675520, MONDO:0012933, OMIM 612555. Disease mechanism: loss of function.
Hereditary breast ovarian cancer syndrome. Also called: Breast and ovarian cancer; Hereditary breast and ovarian cancer syndrome (HBOC); BRCA1- and BRCA2-Associated Hereditary Breast and Ovarian Cancer; Hereditary breast and ovarian cancer syndrome; Hereditary breast and ovarian cancer; Hereditary breast and/or ovarian cancer syndrome. Identifiers: Orphanet 145, MedGen C0677776, MeSH D061325, MONDO:0003582. Disease mechanism: loss of function.
Hereditary cancer-predisposing syndrome. Also called: Neoplastic Syndromes, Hereditary; Hereditary Cancer Syndrome; Hereditary neoplastic syndrome; Tumor predisposition. Identifiers: Orphanet 140162, MedGen C0027672, MeSH D009386, MONDO:0015356.

Allele frequency attached by ClinVar (database versions not stated): gnomAD exomes below 0.00001 and 0.00001; TOPMed below 0.00001; gnomAD 0.00001; ExAC 0.00002.
gnomAD v4.1: 2 of 1,613,722 alleles (0.00012%); highest among the groups gnomAD compares: Non-Finnish European, 0.00017%; no homozygotes.

Submissions (4):

Ambry Genetics
Classification: Uncertain significance for Hereditary cancer-predisposing syndrome. Last evaluated: 2026-08-19. Review status: criteria provided, single submitter. Criteria: Ambry Variant Classification Scheme 2023. Collection method: clinical testing. Allele origin: germline.
Comment: The p.P2409L variant (also known as c.7226C>T), located in coding exon 13 of the BRCA2 gene, results from a C to T substitution at nucleotide position 7226. The proline at codon 2409 is replaced by leucine, an amino acid with similar properties. This amino acid position is highly conserved in available vertebrate species. In addition, the in silico prediction for this alteration is inconclusive. Based on the available evidence, the clinical significance of this variant remains unclear.

Dasa
Classification: Uncertain significance for Breast-ovarian cancer, familial, susceptibility to, 2. Last evaluated: 2025-09-09. Review status: criteria provided, single submitter. Criteria: DASA Assertion Criteria. Collection method: clinical testing. Allele origin: germline.
Comment: NM_000059.4(BRCA2):c.7226C>T (p.Pro2409Leu) is a missense variant that results in the substitution of proline with leucine. This variant is rare in population databases. The currently available literature and clinical evidence are not sufficient to establish a definitive association between this variant and the reported condition. Therefore, this variant is classified as a variant of uncertain significance.

Labcorp Genetics (formerly Invitae), Labcorp
Classification: Uncertain significance for Hereditary breast ovarian cancer syndrome. Last evaluated: 2025-03-31. Review status: criteria provided, single submitter. Criteria: Invitae Variant Classification Sherloc (09022015). Collection method: clinical testing. Allele origin: germline.
Comment: This sequence change replaces proline, which is neutral and non-polar, with leucine, which is neutral and non-polar, at codon 2409 of the BRCA2 protein (p.Pro2409Leu). This variant is present in population databases (rs759999459, gnomAD 0.004%). This missense change has been observed in individual(s) with stomach adenocarcinoma (PMID: 29625052). ClinVar contains an entry for this variant (Variation ID: 579512). Invitae Evidence Modeling of protein sequence and biophysical properties (such as structural, functional, and spatial information, amino acid conservation, physicochemical variation, residue mobility, and thermodynamic stability) indicates that this missense variant is not expected to disrupt BRCA2 protein function with a negative predictive value of 95%. In summary, the available evidence is currently insufficient to determine the role of this variant in disease. Therefore, it has been classified as a Variant of Uncertain Significance.

All of Us Research Program, National Institutes of Health
Classification: Uncertain significance for Breast-ovarian cancer, familial, susceptibility to, 2. Last evaluated: 2023-10-02. Review status: criteria provided, single submitter. Criteria: ACMG Guidelines, 2015. Collection method: clinical testing. Allele origin: germline. Inheritance: Autosomal dominant inheritance. Observed: 2 variant alleles, 2 heterozygotes.
Comment: This missense variant replaces proline with leucine at codon 2409 of the BRCA2 protein. Computational prediction is inconclusive regarding the impact of this variant on protein structure and function (internally defined REVEL score threshold 0.5 < inconclusive < 0.7, PMID: 27666373). To our knowledge, functional studies have not been reported for this variant. This variant has not been reported in individuals affected with hereditary cancer in the literature. This variant has been identified in 2/251276 chromosomes in the general population by the Genome Aggregation Database (gnomAD). The available evidence is insufficient to determine the role of this variant in disease conclusively. Therefore, this variant is classified as a Variant of Uncertain Significance.

This study involves interpretation of variants in research participants for the purpose of population health screening. Participant phenotype was not available at the time of variant classification. Additional details can be found in publication PMID: 35346344, PMCID: PMC8962531

Literature cited by the submitters: PubMed 29625052 (cited by Labcorp Genetics (formerly Invitae), Labcorp).